The following is an entry in ClinVar:

NM_000344.4(SMN1):c.*3+1G>C

Gene: SMN1 (survival of motor neuron 1, telomeric). Cytogenetic location: 5q13.2.
Variant type: single nucleotide variant.
Coding change: c.*3+1G>C on transcript NM_000344.4 (MANE Select); the canonical splice donor site of the intron after 3 bases downstream of the stop codon, G replaced by C.
Molecular consequence: splice donor variant. On other transcripts: intron variant (1).
Genome position (GRCh38, 1-based): chr5:70,951,995, G>C. VCF-style: chr5-70951995-G-C. GRCh37 (hg19) VCF-style: chr5-70247822-G-C.
Other names: c.835-444G>C (NM_001297715.1); c.*3+1G>C (NM_022874.2).
Identifiers: ClinVar variation 928626 (VCV000928626.2), dbSNP rs1290417835, ClinGen allele CA1139658880.

ClinVar aggregate classification (germline): Pathogenic (1 of 4 stars; one submission).

Conditions:
Spinal muscular atrophy (SMA). Identifiers: MedGen C0026847, MeSH D009134, MONDO:0001516, HP:0007269.

Submission:

Women's Health and Genetics/Laboratory Corporation of America, LabCorp
Classification: Pathogenic for Spinal muscular atrophy. Last evaluated: 2024-09-19. Review status: criteria provided, single submitter. Criteria: LabCorp Variant Classification Summary - May 2015. Collection method: clinical testing. Allele origin: germline.
Comment: Variant summary: SMN1 c.*3+1G>C is located in a canonical splice-site and is predicted to affect mRNA splicing resulting in a significantly altered protein due to either exon skipping, shortening, or inclusion of intronic material. Variants that disrupt the consensus splice site are a relatively common cause of aberrant splicing and loss of SMN1 function. Several computational tools predict a significant impact on normal splicing: Four predict the variant abolishes a 5 splicing donor site. At least one publication reports experimental evidence that this variant affects mRNA splicing (Ronchi_2015). The variant was absent in 247916 control chromosomes. c.*3+1G>C has been reported in the literature in individuals affected with Spinal Muscular Atrophy. The following publications have been ascertained in the context of this evaluation (PMID: 25572663). ClinVar contains an entry for this variant (Variation ID: 928626). Based on the evidence outlined above, the variant was classified as pathogenic.

Literature cited by the submitters: PubMed 25572663.